The following is an entry in ClinVar:

NM_203447.4(DOCK8):c.3371_3377dup (p.Ile1127fs)

Gene: DOCK8 (dedicator of cytokinesis 8; plus strand). Cytogenetic location: 9p24.3.
Variant type: Duplication.
Coding change: c.3371_3377dup on transcript NM_203447.4 (MANE Select); coding-DNA positions 3371 to 3377, 7 bases duplicated (GTCCTTC; older notation c.3371_3377dupGTCCTTC).
Protein change: p.Ile1127fs; shifts the reading frame from isoleucine 1127.
Molecular consequence: frameshift variant.
Genome position (GRCh38, 1-based): chr9:405,054-405,060, GTCCTTC duplicated. VCF-style (leftmost placement, unchanged base first): chr9-405053-T-TGTCCTTC. GRCh37 (hg19) VCF-style: chr9-405053-T-TGTCCTTC.
Other names: c.3071_3077dup, p.Ile1027fs (NM_001190458.2); c.3167_3173dup, p.Ile1059fs (NM_001193536.2); short protein forms I1127fs, I1027fs, I1059fs.
Identifiers: ClinVar variation 2699595 (VCV002699595.3), dbSNP rs2538663853, ClinGen allele CA2697550220.

ClinVar aggregate classification (germline): Pathogenic (1 of 4 stars; one submission).

Conditions:
Combined immunodeficiency due to DOCK8 deficiency (HIES2). Also called: HYPER-IgE SYNDROME 2, AUTOSOMAL RECESSIVE, WITH RECURRENT INFECTIONS; HIES autosomal recessive; HYPER-IgE RECURRENT INFECTION SYNDROME 2, AUTOSOMAL RECESSIVE; Hyper-IgE recurrent infection syndrome, autosomal recessive; DOCK8 Deficiency. Identifiers: Orphanet 217390, MedGen C4722305, MONDO:0009478, OMIM 243700.

Submission:

Labcorp Genetics (formerly Invitae), Labcorp
Classification: Pathogenic for Combined immunodeficiency due to DOCK8 deficiency. Last evaluated: 2024-01-25. Review status: criteria provided, single submitter. Criteria: Invitae Variant Classification Sherloc (09022015). Collection method: clinical testing. Allele origin: germline.
Comment: This sequence change creates a premature translational stop signal (p.Ile1127Serfs*107) in the DOCK8 gene. It is expected to result in an absent or disrupted protein product. Loss-of-function variants in DOCK8 are known to be pathogenic (PMID: 14722525, 19776401). This variant is not present in population databases (gnomAD no frequency). This variant has not been reported in the literature in individuals affected with DOCK8-related conditions. For these reasons, this variant has been classified as Pathogenic.

Literature cited by the submitters: PubMed 14722525; PubMed 19776401.